The following is an entry in ClinVar:

ClinVar aggregate classification (germline): Uncertain significance (1 of 4 stars; one submission).

Conditions:
Nemaline myopathy 2 (NEM2). Also called: Nemaline myopathy 2, autosomal recessive. Identifiers: MedGen C1850569, MONDO:0009725, OMIM 256030.

gnomAD v4.1: 9 of 1,610,422 alleles (0.00056%); highest among the groups gnomAD compares: Non-Finnish European, 0.00076%; no homozygotes.

Submission:

Labcorp Genetics (formerly Invitae), Labcorp
Classification: Uncertain significance for Nemaline myopathy 2. Last evaluated: 2025-02-13. Review status: criteria provided, single submitter. Criteria: Invitae Variant Classification Sherloc (09022015). Collection method: clinical testing. Allele origin: germline.
Comment: This sequence change replaces lysine, which is basic and polar, with glutamic acid, which is acidic and polar, at codon 8328 of the NEB protein (p.Lys8328Glu). This variant is present in population databases (no rsID available, gnomAD 0.0009%). This variant has not been reported in the literature in individuals affected with NEB-related conditions. Experimental studies and prediction algorithms are not available or were not evaluated, and the functional significance of this variant is currently unknown. In summary, the available evidence is currently insufficient to determine the role of this variant in disease. Therefore, it has been classified as a Variant of Uncertain Significance.

NM_001164508.2(NEB):c.24877A>G (p.Lys8293Glu)

Genes: NEB (nebulin; minus strand), RIF1 (replication timing regulatory factor 1; plus strand). Cytogenetic location: 2q23.3.
Variant type: single nucleotide variant.
Coding change: c.24877A>G on transcript NM_001164508.2 (MANE Select); coding-DNA position 24877, A replaced by G.
Protein change: p.Lys8293Glu; replaces lysine 8293 with glutamic acid.
Molecular consequence: missense variant.
Genome position (GRCh38, 1-based): chr2:151,492,278, T>C on the plus strand (A>G on the coding strand, the complement: NEB is on the minus strand). VCF-style: chr2-151492278-T-C. GRCh37 (hg19) VCF-style: chr2-152348792-T-C.
Other names: c.24877A>G, p.Lys8293Glu (NM_001164507.2); c.24982A>G, p.Lys8328Glu (NM_001271208.2); c.19309A>G, p.Lys6437Glu (NM_004543.5); short protein forms K6437E, K8293E, K8328E.
Identifiers: ClinVar variation 4707951 (VCV004707951.1).